The following is an entry in ClinVar:

ClinVar aggregate classification (germline): Uncertain significance (1 of 4 stars; one submission).

Submission:

Women's Health and Genetics/Laboratory Corporation of America, LabCorp
Classification: Uncertain significance. Last evaluated: 2026-05-04. Review status: criteria provided, single submitter. Criteria: LabCorp Variant Classification Summary - May 2015. Collection method: clinical testing. Allele origin: germline.
Comment: Variant summary: PLAU c.970+1G>A is located in a canonical splice-site and is predicted to affect mRNA splicing resulting in a significantly altered protein due to either exon skipping, shortening, or inclusion of intronic material. Variants that disrupt the consensus splice site are a relatively common cause of aberrant splicing, however current evidence is not sufficient to establish loss of function as a mechanism for disease. Several computational tools predict a significant impact on normal splicing: Four predict the variant abolishes a 5' splicing donor site. However, these predictions have yet to be confirmed by functional studies. The variant allele was found at a frequency of 4e-06 in 249592 control chromosomes. The available data on variant occurrences in the general population are insufficient to allow any conclusion about variant significance. To our knowledge, no occurrence of c.970+1G>A in individuals affected with PLAU-related conditions and no experimental evidence demonstrating its impact on protein function have been reported. No submitters have cited clinical-significance assessments for this variant to ClinVar. Based on the evidence outlined above, the variant was classified as uncertain significance.

NM_002658.6(PLAU):c.970+1G>A

Genes: C10orf55 (chromosome 10 putative open reading frame 55; minus strand), PLAU (plasminogen activator, urokinase; plus strand). Cytogenetic location: 10q22.2.
Variant type: single nucleotide variant.
Coding change: c.970+1G>A on transcript NM_002658.6 (MANE Select); the canonical splice donor site of the intron after coding-DNA position 970, G replaced by A.
Molecular consequence: splice donor variant.
Genome position (GRCh38, 1-based): chr10:73,914,917, G>A. VCF-style: chr10-73914917-G-A. GRCh37 (hg19) VCF-style: chr10-75674675-G-A.
Other names: c.970+1G>A (NM_001441154.1, NM_001441157.1, NM_001441155.1 and 2 more transcripts); c.712+1G>A (NM_001441158.1, NM_001441159.1, NM_001319191.2); c.919+1G>A (NM_001145031.3).
Identifiers: ClinVar variation 4853570 (VCV004853570.1).